The following is an entry in ClinVar:

NM_005751.5(AKAP9):c.4570C>A (p.His1524Asn)

Gene: AKAP9 (A-kinase anchoring protein 9; plus strand). Cytogenetic location: 7q21.2.
Variant type: single nucleotide variant.
Coding change: c.4570C>A on transcript NM_005751.5 (MANE Select); coding-DNA position 4570, C replaced by A.
Protein change: p.His1524Asn; replaces histidine 1524 with asparagine.
Molecular consequence: missense variant.
Genome position (GRCh38, 1-based): chr7:92,038,650, C>A. VCF-style: chr7-92038650-C-A. GRCh37 (hg19) VCF-style: chr7-91667964-C-A.
Other names: c.4570C>A, p.His1524Asn (NM_147185.3); short protein forms H1524N.
Identifiers: ClinVar variation 4613423 (VCV004613423.1).

ClinVar aggregate classification (germline): Uncertain significance (1 of 4 stars; one submission).

Conditions:
Cardiovascular phenotype. Identifiers: MedGen CN230736.

Submission:

Ambry Genetics
Classification: Uncertain significance for Cardiovascular phenotype. Last evaluated: 2025-12-01. Review status: criteria provided, single submitter. Criteria: Ambry Variant Classification Scheme 2023. Collection method: clinical testing. Allele origin: germline.
Comment: The p.H1524N variant (also known as c.4570C>A), located in coding exon 17 of the AKAP9 gene, results from a C to A substitution at nucleotide position 4570. The histidine at codon 1524 is replaced by asparagine, an amino acid with similar properties. This amino acid position is conserved. In addition, this alteration is predicted to be tolerated by in silico analysis. Based on the available evidence, the clinical significance of this variant remains unclear.